The following is an entry in ClinVar:

ClinVar aggregate classification (germline): Uncertain significance. Review status: criteria provided, multiple submitters, no conflicts (2 of 4 stars). 2 submissions from 2 submitters: Uncertain significance (2). Last evaluated 2026-02-23.

gnomAD v4.1: 5 of 1,282,612 alleles (0.00039%); highest among the groups gnomAD compares: Non-Finnish European, 0.00039%; no homozygotes.

Submissions (2):

GeneDx
Classification: Uncertain significance. Last evaluated: 2026-02-23. Review status: criteria provided, single submitter. Criteria: GeneDx Variant Classification Process June 2021. Collection method: clinical testing. Allele origin: germline.
Comment: Not observed at significant frequency in large population cohorts (gnomAD); In silico analysis suggests that this missense variant does not alter protein structure/function; Has not been previously published as pathogenic or benign to our knowledge

Women's Health and Genetics/Laboratory Corporation of America, LabCorp
Classification: Uncertain significance. Last evaluated: 2022-11-30. Review status: criteria provided, single submitter. Criteria: LabCorp Variant Classification Summary - May 2015. Collection method: clinical testing. Allele origin: germline.
Comment: Variant summary: ARID1B c.1286C>T (p.Ala429Val) results in a non-conservative amino acid change in the encoded protein sequence. Two of three in-silico tools predict a benign effect of the variant on protein function. The variant was absent in 3284 control chromosomes (gnomAD). The available data on variant occurrences in the general population are insufficient to allow any conclusion about variant significance. To our knowledge, no occurrence of c.1286C>T in individuals affected with Coffin-Siris Syndrome 1 and no experimental evidence demonstrating its impact on protein function have been reported. No clinical diagnostic laboratories have submitted clinical-significance assessments for this variant to ClinVar after 2014. Based on the evidence outlined above, the variant was classified as uncertain significance.

NM_001374828.1(ARID1B):c.1286C>T (p.Ala429Val)

Gene: ARID1B (AT-rich interaction domain 1B; plus strand). Cytogenetic location: 6q25.3.
Variant type: single nucleotide variant.
Coding change: c.1286C>T on transcript NM_001374828.1 (MANE Select); coding-DNA position 1286, C replaced by T.
Protein change: p.Ala429Val; replaces alanine 429 with valine.
Molecular consequence: missense variant.
Genome position (GRCh38, 1-based): chr6:156,778,966, C>T. VCF-style: chr6-156778966-C-T. GRCh37 (hg19) VCF-style: chr6-157100100-C-T.
Other names: c.1037C>T, p.Ala346Val (NM_001346813.1, NM_020732.3); c.1286C>T, p.Ala429Val (NM_001371656.1, NM_001374820.1, NM_017519.3); c.863C>T, p.Ala288Val (NM_175863.2); short protein forms A288V, A346V, A429V.
Identifiers: ClinVar variation 1804728 (VCV001804728.2), dbSNP rs2114992091, ClinGen allele CA366383866.
Genomic context (GRCh38, chr6:156,778,966, plus strand): 5'-GAGGAGGAGCAGGAGCAGGAGGAGCAGGAGCGGGAGCTGTGGCGGCGGCGGCCGCGGCGG[C>T]GGCGGCAGCAGCAGGAGGCGGCGGCGGCGGCGGCTATGGGGGCTCGTCCGCGGGGTACGG-3'
Protein context (NP_001361757.1, residues 419-439): AGAVAAAAAA[Ala429Val]AAAAGGGGGG